The following is an entry in ClinVar:

ClinVar aggregate classification (germline): Uncertain significance (1 of 4 stars; one submission).

Conditions:
Immunodeficiency 51 (IMD51). Also called: CANDIDIASIS, FAMILIAL, 5. Identifiers: Orphanet 1334, MedGen C4310803, MONDO:0013500, OMIM 613953.

Allele frequency attached by ClinVar (database versions not stated): gnomAD exomes below 0.00001.
gnomAD v4.1: 1 of 1,614,142 alleles (0.000062%); highest among the groups gnomAD compares: Non-Finnish European, 0.000085%; no homozygotes.

Submission:

Labcorp Genetics (formerly Invitae), Labcorp
Classification: Uncertain significance for Immunodeficiency 51. Last evaluated: 2022-06-03. Review status: criteria provided, single submitter. Criteria: Invitae Variant Classification Sherloc (09022015). Collection method: clinical testing. Allele origin: germline.
Comment: In summary, the available evidence is currently insufficient to determine the role of this variant in disease. Therefore, it has been classified as a Variant of Uncertain Significance. Algorithms developed to predict the effect of missense changes on protein structure and function are either unavailable or do not agree on the potential impact of this missense change (SIFT: "Deleterious"; PolyPhen-2: "Probably Damaging"; Align-GVGD: "Class C0"). This variant has not been reported in the literature in individuals affected with IL17RA-related conditions. This variant is not present in population databases (gnomAD no frequency). This sequence change replaces glycine, which is neutral and non-polar, with valine, which is neutral and non-polar, at codon 111 of the IL17RA protein (p.Gly111Val).

NM_014339.7(IL17RA):c.332G>T (p.Gly111Val)

Gene: IL17RA (interleukin 17 receptor A; plus strand). Cytogenetic location: 22q11.1.
Variant type: single nucleotide variant.
Coding change: c.332G>T on transcript NM_014339.7 (MANE Select); coding-DNA position 332, G replaced by T.
Protein change: p.Gly111Val; replaces glycine 111 with valine.
Molecular consequence: missense variant.
Genome position (GRCh38, 1-based): chr22:17,098,796, G>T. VCF-style: chr22-17098796-G-T. GRCh37 (hg19) VCF-style: chr22-17579686-G-T.
Other names: c.332G>T, p.Gly111Val (NM_001289905.2); short protein forms G111V.
Identifiers: ClinVar variation 2002283 (VCV002002283.4), dbSNP rs2517159936, ClinGen allele CA410211298.